The following is an entry in ClinVar:

NM_020719.3(PRR12):c.3959_3978del (p.Arg1320fs)

Gene: PRR12 (proline rich 12; plus strand). Cytogenetic location: 19q13.33.
Variant type: Deletion.
Coding change: c.3959_3978del on transcript NM_020719.3 (MANE Select); coding-DNA positions 3959 to 3978, 20 bases deleted (GAGGCCTGCAGCCCCAGCCC).
Protein change: p.Arg1320fs; shifts the reading frame from arginine 1320.
Molecular consequence: frameshift variant.
Genome position (GRCh38, 1-based): chr19:49,599,552-49,599,571, GAGGCCTGCAGCCCCAGCCC deleted; deleting any 20 consecutive bases within chr19:49,599,545-49,599,571 gives the same sequence; the c. name uses the placement nearest the transcript's 3' end. VCF-style (leftmost placement, unchanged base first): chr19-49599544-GCCAGCCCGAGGCCTGCAGCC-G. GRCh37 (hg19) VCF-style: chr19-50102801-GCCAGCCCGAGGCCTGCAGCC-G.
Other names: short protein forms R1320fs.
Identifiers: ClinVar variation 1705305 (VCV001705305.1), dbSNP rs2514277571, ClinGen allele CA2580097557.

ClinVar aggregate classification (germline): Likely pathogenic (1 of 4 stars; one submission).

Conditions:
Neuroocular syndrome. Identifiers: MedGen C5551362, MONDO:0859193.

Submission:

3billion
Classification: Likely pathogenic for Neuroocular syndrome 1. Last evaluated: 2022-09-01. Review status: criteria provided, single submitter. Criteria: ACMG Guidelines, 2015. Collection method: clinical testing. Allele origin: germline. Affected: yes. Observed: 1 heterozygote.
Comment: The variant is not observed in the gnomAD v2.1.1 dataset. It is predicted to result in a loss or disruption of normal protein function through nonsense-mediated decay (NMD) or protein truncation. Multiple pathogenic variants are reported downstream of the variant. Therefore, this variant is classified as Likely pathogenic according to the recommendation of ACMG/AMP guideline.